The following is an entry in ClinVar:

ClinVar aggregate classification (germline): Uncertain significance (1 of 4 stars; one submission).

Conditions:
Hereditary cancer-predisposing syndrome. Also called: Neoplastic Syndromes, Hereditary; Tumor predisposition; Hereditary Cancer Syndrome; Hereditary neoplastic syndrome. Identifiers: Orphanet 140162, MedGen C0027672, MeSH D009386, MONDO:0015356.

Submission:

Ambry Genetics
Classification: Uncertain significance for Hereditary cancer-predisposing syndrome. Last evaluated: 2022-10-12. Review status: criteria provided, single submitter. Criteria: Ambry Variant Classification Scheme 2023. Collection method: clinical testing. Allele origin: germline.
Comment: The p.E737D variant (also known as c.2211G>C), located in coding exon 14 of the PTCH1 gene, results from a G to C substitution at nucleotide position 2211. The glutamic acid at codon 737 is replaced by aspartic acid, an amino acid with highly similar properties. This amino acid position is conserved. In addition, the in silico prediction for this alteration is inconclusive. Since supporting evidence is limited at this time, the clinical significance of this alteration remains unclear.

NM_000264.5(PTCH1):c.2211G>C (p.Glu737Asp)

Genes: PTCH1 (patched 1; minus strand), LOC100507346 (uncharacterized LOC100507346; plus strand). Cytogenetic location: 9q22.32.
Variant type: single nucleotide variant.
Coding change: c.2211G>C on transcript NM_000264.5 (MANE Select); coding-DNA position 2211, G replaced by C.
Protein change: p.Glu737Asp; replaces glutamic acid 737 with aspartic acid.
Molecular consequence: missense variant. On other transcripts: non-coding transcript variant (2).
Genome position (GRCh38, 1-based): chr9:95,468,790, C>G on the plus strand (G>C on the coding strand, the complement: PTCH1 is on the minus strand). VCF-style: chr9-95468790-C-G. GRCh37 (hg19) VCF-style: chr9-98231072-C-G.
Other names: c.2013G>C, p.Glu671Asp (NM_001083602.3); c.2208G>C, p.Glu736Asp (NM_001083603.3); c.1758G>C, p.Glu586Asp (NM_001083604.3, NM_001083605.3, NM_001083606.3 and 1 more transcripts); c.2055G>C, p.Glu685Asp (NM_001354918.2); short protein forms E586D, E671D, E685D, E737D, E736D.
Identifiers: ClinVar variation 1787779 (VCV001787779.2), dbSNP rs2538143499, ClinGen allele CA374115311.